The following is an entry in ClinVar:

ClinVar aggregate classification (germline): Likely pathogenic (1 of 4 stars; one submission).

Allele frequency attached by ClinVar (database versions not stated): gnomAD 0.00001.
gnomAD v4.1: 1 of 1,612,738 alleles (0.000062%); highest among the groups gnomAD compares: Non-Finnish European, 0.000085%; no homozygotes.

Submission:

GeneDx
Classification: Likely pathogenic. Last evaluated: 2022-06-03. Review status: criteria provided, single submitter. Criteria: GeneDx Variant Classification Process June 2021. Collection method: clinical testing. Allele origin: germline. Affected: yes.
Comment: Published functional studies demonstrate a damaging effect (Bellido et al., 2018); Not observed at significant frequency in large population cohorts (gnomAD); In silico analysis supports that this missense variant has a deleterious effect on protein structure/function; Identified in the heterozygous state in a single individual with colorectal cancer but segregation information was not available (Bellido et al., 2018); This variant is associated with the following publications: (PMID: 28912018)

NM_001519.4(BRF1):c.419G>C (p.Cys140Ser)

Gene: BRF1 (BRF1 general transcription factor IIIB subunit; minus strand). Cytogenetic location: 14q32.33.
Variant type: single nucleotide variant.
Coding change: c.419G>C on transcript NM_001519.4 (MANE Select); coding-DNA position 419, G replaced by C.
Protein change: p.Cys140Ser; replaces cysteine 140 with serine.
Molecular consequence: missense variant.
Genome position (GRCh38, 1-based): chr14:105,272,741, C>G on the plus strand (G>C on the coding strand, the complement: BRF1 is on the minus strand). VCF-style: chr14-105272741-C-G. GRCh37 (hg19) VCF-style: chr14-105739078-C-G.
Other names: c.74G>C, p.Cys25Ser (NM_001242786.2, NM_001242787.2); c.338G>C, p.Cys113Ser (NM_001242788.2); c.419G>C, p.Cys140Ser (NM_001242790.2); short protein forms C140S, C25S, C113S.
Identifiers: ClinVar variation 2136288 (VCV002136288.1), dbSNP rs2056711749, ClinGen allele CA391199923.
Genomic context (GRCh38, chr14:105,272,741, plus strand): 5'-AAGATGGGGCCCTCTGGGAGGCTCTCAAACCAAAGGATACGCGGCGTGCCCTCCGTACGG[C>G]AGACCAGGTAGAGGCAGGCAGCAATCACGTGGGCCATCTTCCGGCCGCGGGTCAGGTGCC-3'
Protein context (NP_001510.2, residues 130-150): HVIAACLYLV[Cys140Ser]RTEGTPHMLL